The following is an entry in ClinVar:

NM_001283009.2(RTEL1):c.2544_2545inv (p.Gly849Ser)

Genes: RTEL1 (regulator of telomere elongation helicase 1; plus strand), RTEL1-TNFRSF6B (RTEL1-TNFRSF6B readthrough (NMD candidate); plus strand). Cytogenetic location: 20q13.33.
Variant type: Inversion.
Coding change: c.2544_2545inv on transcript NM_001283009.2 (MANE Select).
Protein change: p.Gly849Ser; replaces glycine 849 with serine.
Molecular consequence: missense variant. On other transcripts: non-coding transcript variant (1).
Genome position: GRCh38 VCF-style: chr20-63690935-TG-CA. GRCh37 (hg19) VCF-style: chr20-62322288-TG-CA.
Other names: c.1875_1876inv, p.Gly626Ser (NM_001283010.1); c.2544_2545inv, p.Gly849Ser (NM_016434.4); c.2616_2617inv, p.Gly873Ser (NM_032957.5); c.2544_2545delinsCA (NM_001283009.1); short protein forms G626S, G849S, G873S.
Identifiers: ClinVar variation 540934 (VCV000540934.8), ClinGen allele CA658799404.
Genomic context (GRCh38, chr20:63,690,935, plus strand): 5'-GCAGAGGCCCAGGGGGCTGCTGGCCGCCCTGGAGCACAGCGAACAGCGGGCGGGGAGCCC[TG>CA]GCGAGGAGCAGGTACAGTTCCAGGGCCTTGGGATGGACACAGACCCTCTGTCTCCTGAGG-3'
Protein context (NP_001269938.1, residues 839-859): EHSEQRAGSP[Gly849Ser]EEQAHSCSTL

ClinVar aggregate classification (germline): Uncertain significance (1 of 4 stars; one submission).

Conditions:
Dyskeratosis congenita, autosomal recessive 5 (DKCB5). Identifiers: MedGen C3554656, MONDO:0014076, OMIM 615190.
Pulmonary fibrosis and/or bone marrow failure, Telomere-related, 3. Also called: PULMONARY FIBROSIS AND/OR BONE MARROW FAILURE SYNDROME, TELOMERE-RELATED, 3. Identifiers: Orphanet 2032, MedGen C4225346, MONDO:0014613, OMIM 616373.

Submission:

Labcorp Genetics (formerly Invitae), Labcorp
Classification: Uncertain significance for Dyskeratosis congenita, autosomal recessive 5; Pulmonary fibrosis and/or bone marrow failure, Telomere-related, 3. Last evaluated: 2025-07-27. Review status: criteria provided, single submitter. Criteria: Invitae Variant Classification Sherloc (09022015). Collection method: clinical testing. Allele origin: germline.
Comment: This sequence change replaces glycine, which is neutral and non-polar, with serine, which is neutral and polar, at codon 849 of the RTEL1 protein (p.Gly849Ser). Information on the frequency of this variant in the gnomAD database is not available, as this variant may be reported differently in the database. This variant has not been reported in the literature in individuals affected with RTEL1-related conditions. This variant is also known as c.2616_2617delinsCA (p.Gly873Ser). ClinVar contains an entry for this variant (Variation ID: 540934). An algorithm developed to predict the effect of missense changes on protein structure and function outputs the following: PolyPhen-2: "Not Available". The serine amino acid residue is found in multiple mammalian species, which suggests that this missense change does not adversely affect protein function. In summary, the available evidence is currently insufficient to determine the role of this variant in disease. Therefore, it has been classified as a Variant of Uncertain Significance.